The following is an entry in ClinVar:

NM_198578.4(LRRK2):c.397G>T (p.Val133Leu)

Gene: LRRK2 (leucine rich repeat kinase 2; plus strand). Cytogenetic location: 12q12.
Variant type: single nucleotide variant.
Coding change: c.397G>T on transcript NM_198578.4 (MANE Select); coding-DNA position 397, G replaced by T.
Protein change: p.Val133Leu; replaces valine 133 with leucine.
Molecular consequence: missense variant.
Genome position (GRCh38, 1-based): chr12:40,235,675, G>T. VCF-style: chr12-40235675-G-T. GRCh37 (hg19) VCF-style: chr12-40629477-G-T.
Other names: short protein forms V133L.
Identifiers: ClinVar variation 2562450 (VCV002562450.2), dbSNP rs1356271506, ClinGen allele CA384402871.

ClinVar aggregate classification (germline): Uncertain significance (1 of 4 stars; one submission).

Conditions:
Inborn genetic diseases. Identifiers: MedGen C0950123, MeSH D030342.

Allele frequency attached by ClinVar (database versions not stated): gnomAD exomes below 0.00001.
gnomAD v4.1: 1 of 1,609,808 alleles (0.000062%); highest among the groups gnomAD compares: Non-Finnish European, 0.000085%; no homozygotes.

Submission:

Ambry Genetics
Classification: Uncertain significance for Inborn genetic diseases. Last evaluated: 2023-04-23. Review status: criteria provided, single submitter. Criteria: Ambry Variant Classification Scheme 2023. Collection method: clinical testing. Allele origin: germline.
Comment: The p.V133L variant (also known as c.397G>T), located in coding exon 4 of the LRRK2 gene, results from a G to T substitution at nucleotide position 397. The valine at codon 133 is replaced by leucine, an amino acid with highly similar properties. This amino acid position is conserved. In addition, this alteration is predicted to be tolerated by in silico analysis. Since supporting evidence is limited at this time, the clinical significance of this alteration remains unclear.